The following is an entry in ClinVar:

ClinVar aggregate classification (germline): Likely benign. Review status: criteria provided, multiple submitters, no conflicts (2 of 4 stars). 3 submissions from 3 submitters: Likely benign (3). Last evaluated 2024-09-05.

Conditions:
History of neurodevelopmental disorder. Identifiers: MedGen C2711754.

Allele frequency attached by ClinVar (database versions not stated): gnomAD exomes 0.00006 and 0.00008; gnomAD 0.00008 and 0.00009; TOPMed 0.00009; ExAC 0.00011; ESP Exome Variant Server 0.00019.
gnomAD v4.1: 73 of 1,209,976 alleles (0.006%); highest among the groups gnomAD compares: Non-Finnish European, 0.0073%; no homozygotes.

Submissions (3):

Blueprint Genetics
Classification: Likely benign. Last evaluated: 2024-09-05. Review status: criteria provided, single submitter. Criteria: ACMG Guidelines, 2015. Collection method: clinical testing. Allele origin: germline.

CeGaT Center for Human Genetics Tuebingen
Classification: Likely benign. Last evaluated: 2024-01-01. Review status: criteria provided, single submitter. Criteria: CeGaT Center For Human Genetics Tuebingen Variant Classification Criteria Version 2. Collection method: clinical testing. Allele origin: germline. Affected: yes. Observed: 1 variant allele.
Comment: PORCN: BP4, BP7, BS2

Ambry Genetics
Classification: Likely benign for History of neurodevelopmental disorder. Last evaluated: 2013-03-08. Review status: criteria provided, single submitter. Criteria: Ambry Autosomal Dominant and X-Linked criteria (10/2015). Collection method: clinical testing. Allele origin: germline. Observed: 1 variant allele.

NM_203475.3(PORCN):c.453G>A (p.Ser151=)

Gene: PORCN (porcupine O-acyltransferase; plus strand). Cytogenetic location: Xp11.23.
Variant type: single nucleotide variant.
Coding change: c.453G>A on transcript NM_203475.3 (MANE Select); coding-DNA position 453, G replaced by A.
Protein change: p.Ser151=; no amino-acid change (serine 151 retained).
Molecular consequence: synonymous variant.
Genome position (GRCh38, 1-based): chrX:48,512,405, G>A. VCF-style: chrX-48512405-G-A. GRCh37 (hg19) VCF-style: chrX-48370793-G-A.
Other names: c.240G>A, p.Ser80= (NM_001282167.2); c.453G>A, p.Ser151= (NM_022825.4, NM_203473.3, NM_203474.1).
Identifiers: ClinVar variation 590245 (VCV000590245.26), dbSNP rs375894841, ClinGen allele CA10402756.